The following is an entry in ClinVar:

NM_001142966.3(GREB1L):c.203G>T (p.Arg68Leu)

Genes: GREB1L (GREB1 like retinoic acid receptor coactivator; plus strand), GREB1L-AS1 (GREB1L antisense RNA 1; minus strand). Cytogenetic location: 18q11.1.
Variant type: single nucleotide variant.
Coding change: c.203G>T on transcript NM_001142966.3 (MANE Select); coding-DNA position 203, G replaced by T.
Protein change: p.Arg68Leu; replaces arginine 68 with leucine.
Molecular consequence: missense variant.
Genome position (GRCh38, 1-based): chr18:21,384,251, G>T. VCF-style: chr18-21384251-G-T. GRCh37 (hg19) VCF-style: chr18-18964212-G-T.
Other names: c.203G>T (NM_001142966.1); c.203G>T, p.Arg68Leu (NM_001410867.1, NM_001410868.1); short protein forms R68L.
Identifiers: ClinVar variation 2432267 (VCV002432267.7), dbSNP rs370589003, ClinGen allele CA8906292.

ClinVar aggregate classification (germline): Conflicting classifications of pathogenicity. Review status: criteria provided, conflicting classifications (1 of 4 stars). 3 submissions from 3 submitters: Uncertain significance (1); Likely benign (1). 1 of the submissions does not count toward it. Last evaluated 2026-01-05.

Conditions:
GREB1L-related disorder. Also called: GREB1L-related condition.

gnomAD v4.1: 222 of 1,551,274 alleles (0.014%); highest among the groups gnomAD compares: Non-Finnish European, 0.018%; no homozygotes.

Submissions (3):

Labcorp Genetics (formerly Invitae), Labcorp
Classification: Likely benign. Last evaluated: 2026-01-05. Review status: criteria provided, single submitter. Criteria: Invitae Variant Classification Sherloc (09022015). Collection method: clinical testing. Allele origin: germline.

Revvity Omics, Revvity
Classification: Uncertain significance. Last evaluated: 2021-11-29. Review status: criteria provided, single submitter. Criteria: ACMG Guidelines, 2015. Collection method: clinical testing. Allele origin: germline.

PreventionGenetics, part of Exact Sciences
Classification: Uncertain significance for GREB1L-related condition. Last evaluated: 2023-10-25. Review status: no assertion criteria provided. Collection method: clinical testing. Allele origin: germline. Not counted in ClinVar's aggregate classification.
Comment: The GREB1L c.203G>T variant is predicted to result in the amino acid substitution p.Arg68Leu. To our knowledge, this variant has not been reported in the literature. This variant is reported in 0.021% of alleles in individuals of European (Non-Finnish) descent in gnomAD. Although we suspect that this variant may be benign, at this time, the clinical significance of this variant is uncertain due to the absence of conclusive functional and genetic evidence.